The following is an entry in ClinVar:

NM_030665.4(RAI1):c.5557G>A (p.Val1853Met)

Gene: RAI1 (retinoic acid induced 1; plus strand). Cytogenetic location: 17p11.2.
Variant type: single nucleotide variant.
Coding change: c.5557G>A on transcript NM_030665.4 (MANE Select); coding-DNA position 5557, G replaced by A.
Protein change: p.Val1853Met; replaces valine 1853 with methionine.
Molecular consequence: missense variant.
Genome position (GRCh38, 1-based): chr17:17,798,505, G>A. VCF-style: chr17-17798505-G-A. GRCh37 (hg19) VCF-style: chr17-17701819-G-A.
Other names: short protein forms V1853M.
Identifiers: ClinVar variation 587934 (VCV000587934.17), dbSNP rs371083418, ClinGen allele CA8419186.
Genomic context (GRCh38, chr17:17,798,505, plus strand): 5'-GGCGGCGTCTACCTGGTGGCCGGGAAGCTCTTTGGGCTGCAGGAGGCCATGAAGGTGGCC[G>A]TGGACATGGTAAGAGGCCAGCCCAGCCAGGGTGGGGAGTGTGGGGTTCCAAAGGACAGGC-3'
Protein context (NP_109590.3, residues 1843-1863): FGLQEAMKVA[Val1853Met]DMMCSSCQEA

ClinVar aggregate classification (germline): Likely benign. Review status: criteria provided, multiple submitters, no conflicts (2 of 4 stars). 4 submissions from 4 submitters: Likely benign (3). 1 of the submissions does not count toward it. Last evaluated 2025-11-15.

Conditions:
RAI1-related disorder. Also called: RAI1-related condition.
Inborn genetic diseases. Identifiers: MedGen C0950123, MeSH D030342.

Allele frequency attached by ClinVar (database versions not stated): TOPMed 0.00009; gnomAD exomes 0.00010 and 0.00011; ExAC 0.00011; gnomAD 0.00007 and 0.00008; ESP Exome Variant Server 0.00008.
gnomAD v4.1: 158 of 1,600,528 alleles (0.0099%); highest among the groups gnomAD compares: Admixed American, 0.055%; no homozygotes.

Submissions (4):

Labcorp Genetics (formerly Invitae), Labcorp
Classification: Likely benign. Last evaluated: 2025-11-15. Review status: criteria provided, single submitter. Criteria: Invitae Variant Classification Sherloc (09022015). Collection method: clinical testing. Allele origin: germline.

GeneDx
Classification: Likely benign. Last evaluated: 2021-09-10. Review status: criteria provided, single submitter. Criteria: GeneDx Variant Classification Process June 2021. Collection method: clinical testing. Allele origin: germline. Affected: yes.

Ambry Genetics
Classification: Likely benign for Inborn genetic diseases. Last evaluated: 2017-07-11. Review status: criteria provided, single submitter. Criteria: Ambry Variant Classification Scheme 2023. Collection method: clinical testing. Allele origin: germline.

PreventionGenetics, part of Exact Sciences
Classification: Likely benign for RAI1-related condition. Last evaluated: 2019-09-11. Review status: no assertion criteria provided. Collection method: clinical testing. Allele origin: germline. Not counted in ClinVar's aggregate classification.
Comment: This variant is classified as likely benign based on ACMG/AMP sequence variant interpretation guidelines (Richards et al. 2015 PMID: 25741868, with internal and published modifications).